The following is an entry in ClinVar:

NM_005618.4(DLL1):c.217C>G (p.Pro73Ala)

Gene: DLL1 (delta like canonical Notch ligand 1; minus strand). Cytogenetic location: 6q27.
Variant type: single nucleotide variant.
Coding change: c.217C>G on transcript NM_005618.4 (MANE Select); coding-DNA position 217, C replaced by G.
Protein change: p.Pro73Ala; replaces proline 73 with alanine.
Molecular consequence: missense variant.
Genome position (GRCh38, 1-based): chr6:170,289,646, G>C on the plus strand (C>G on the coding strand, the complement: DLL1 is on the minus strand). VCF-style: chr6-170289646-G-C. GRCh37 (hg19) VCF-style: chr6-170598734-G-C.
Other names: short protein forms P73A.
Identifiers: ClinVar variation 3252535 (VCV003252535.1), dbSNP rs2483363208.
Genomic context (GRCh38, chr6:170,289,646, plus strand): 5'-TGAAGGAGTCGACGCCCAGCACGGGGGTGACGGCGCTGCCGTAGGTGCAGGGCGGCTCGG[G>C]GGACACGCTGGCCTGGTAGTGCTTGAGGCACACGCGGAAGAAGGTCCGGCAGGCGCACGG-3'
Protein context (NP_005609.3, residues 63-83): CLKHYQASVS[Pro73Ala]EPPCTYGSAV

ClinVar aggregate classification (germline): Uncertain significance (1 of 4 stars; one submission).

Submission:

GeneDx
Classification: Uncertain significance. Last evaluated: 2023-12-09. Review status: criteria provided, single submitter. Criteria: GeneDx Variant Classification Process June 2021. Collection method: clinical testing. Allele origin: germline. Affected: yes.
Comment: Not observed at significant frequency in large population cohorts (gnomAD); In silico analysis supports that this missense variant has a deleterious effect on protein structure/function; Has not been previously published as pathogenic or benign to our knowledge